The following is an entry in ClinVar:

ClinVar aggregate classification (germline): Uncertain significance. Review status: criteria provided, multiple submitters, no conflicts (2 of 4 stars). 2 submissions from 2 submitters: Uncertain significance (2). Last evaluated 2025-12-10.

Conditions:
Hereditary cancer-predisposing syndrome. Also called: Neoplastic Syndromes, Hereditary; Tumor predisposition; Hereditary Cancer Syndrome; Hereditary neoplastic syndrome. Identifiers: Orphanet 140162, MedGen C0027672, MeSH D009386, MONDO:0015356.
Neuroblastoma, susceptibility to, 3. Also called: ALK-Related Neuroblastic Tumor Susceptibility. Identifiers: Orphanet 635, MedGen C2751681, MONDO:0013083, OMIM 613014.

Submissions (2):

Ambry Genetics
Classification: Uncertain significance for Hereditary cancer-predisposing syndrome. Last evaluated: 2025-12-10. Review status: criteria provided, single submitter. Criteria: Ambry Variant Classification Scheme 2023. Collection method: clinical testing. Allele origin: germline.
Comment: The p.P1398R variant (also known as c.4193C>G), located in coding exon 29 of the ALK gene, results from a C to G substitution at nucleotide position 4193. The proline at codon 1398 is replaced by arginine, an amino acid with dissimilar properties. This amino acid position is conserved. In addition, this alteration is predicted to be deleterious by in silico analysis. Since supporting evidence is limited at this time, the clinical significance of this alteration remains unclear.

Labcorp Genetics (formerly Invitae), Labcorp
Classification: Uncertain significance for Neuroblastoma, susceptibility to, 3. Last evaluated: 2023-06-20. Review status: criteria provided, single submitter. Criteria: Invitae Variant Classification Sherloc (09022015). Collection method: clinical testing. Allele origin: germline.
Comment: In summary, the available evidence is currently insufficient to determine the role of this variant in disease. Therefore, it has been classified as a Variant of Uncertain Significance. An algorithm developed to predict the effect of missense changes on protein structure and function (PolyPhen-2) suggests that this variant is likely to be disruptive. ClinVar contains an entry for this variant (Variation ID: 1738587). This variant has not been reported in the literature in individuals affected with ALK-related conditions. This variant is not present in population databases (gnomAD no frequency). This sequence change replaces proline, which is neutral and non-polar, with arginine, which is basic and polar, at codon 1398 of the ALK protein (p.Pro1398Arg).

NM_004304.5(ALK):c.4193C>G (p.Pro1398Arg)

Gene: ALK (ALK receptor tyrosine kinase; minus strand). Cytogenetic location: 2p23.2.
Variant type: single nucleotide variant.
Coding change: c.4193C>G on transcript NM_004304.5 (MANE Select); coding-DNA position 4193, C replaced by G.
Protein change: p.Pro1398Arg; replaces proline 1398 with arginine.
Molecular consequence: missense variant.
Genome position (GRCh38, 1-based): chr2:29,193,894, G>C on the plus strand (C>G on the coding strand, the complement: ALK is on the minus strand). VCF-style: chr2-29193894-G-C. GRCh37 (hg19) VCF-style: chr2-29416760-G-C.
Other names: c.989C>G, p.Pro330Arg (NM_001353765.2); short protein forms P330R, P1398R.
Identifiers: ClinVar variation 1738587 (VCV001738587.6), dbSNP rs531490912, ClinGen allele CA346463396.